The following is an entry in ClinVar:

ClinVar aggregate classification (germline): Uncertain significance (1 of 4 stars; one submission).

Submission:

Labcorp Genetics (formerly Invitae), Labcorp
Classification: Uncertain significance. Last evaluated: 2021-10-06. Review status: criteria provided, single submitter. Criteria: Invitae Variant Classification Sherloc (09022015). Collection method: clinical testing. Allele origin: germline.
Comment: Algorithms developed to predict the effect of missense changes on protein structure and function are either unavailable or do not agree on the potential impact of this missense change (SIFT: "Tolerated"; PolyPhen-2: "Possibly Damaging"; Align-GVGD: "Class C0"). In summary, the available evidence is currently insufficient to determine the role of this variant in disease. Therefore, it has been classified as a Variant of Uncertain Significance. Variants that disrupt the consensus splice site are a relatively common cause of aberrant splicing (PMID: 17576681, 9536098). Algorithms developed to predict the effect of sequence changes on RNA splicing suggest that this variant may disrupt the consensus splice site. This variant has not been reported in the literature in individuals affected with RNF31-related conditions. This variant is not present in population databases (ExAC no frequency). This sequence change replaces aspartic acid with asparagine at codon 870 of the RNF31 protein (p.Asp870Asn). The aspartic acid residue is moderately conserved and there is a small physicochemical difference between aspartic acid and asparagine. This variant also falls at the last nucleotide of exon 15, which is part of the consensus splice site for this exon.

Literature cited by the submitters: PubMed 17576681; PubMed 9536098.

NM_017999.5(RNF31):c.2608G>A (p.Asp870Asn)

Gene: RNF31 (ring finger protein 31; plus strand). Cytogenetic location: 14q12.
Variant type: single nucleotide variant.
Coding change: c.2608G>A on transcript NM_017999.5 (MANE Select); coding-DNA position 2608, G replaced by A.
Protein change: p.Asp870Asn; replaces aspartic acid 870 with asparagine.
Molecular consequence: missense variant.
Genome position (GRCh38, 1-based): chr14:24,157,404, G>A. VCF-style: chr14-24157404-G-A. GRCh37 (hg19) VCF-style: chr14-24626613-G-A.
Other names: c.2155G>A, p.Asp719Asn (NM_001310332.2); short protein forms D870N, D719N.
Identifiers: ClinVar variation 1385002 (VCV001385002.6), dbSNP rs1281691929, ClinGen allele CA389305739.